The following is an entry in ClinVar:

NM_138694.4(PKHD1):c.8633G>T (p.Gly2878Val)

Gene: PKHD1 (PKHD1 ciliary IPT domain containing fibrocystin/polyductin; minus strand). Cytogenetic location: 6p12.3.
Variant type: single nucleotide variant.
Coding change: c.8633G>T on transcript NM_138694.4 (MANE Select); coding-DNA position 8633, G replaced by T.
Protein change: p.Gly2878Val; replaces glycine 2878 with valine.
Molecular consequence: missense variant.
Genome position (GRCh38, 1-based): chr6:51,772,711, C>A on the plus strand (G>T on the coding strand, the complement: PKHD1 is on the minus strand). VCF-style: chr6-51772711-C-A. GRCh37 (hg19) VCF-style: chr6-51637509-C-A.
Other names: c.8633G>T, p.Gly2878Val (NM_170724.3); short protein forms G2878V.
Identifiers: ClinVar variation 4994179 (VCV004994179.1).

ClinVar aggregate classification (germline): Uncertain significance (1 of 4 stars; one submission).

Conditions:
PKHD1-related disorder. Also called: PKHD1-related condition.

Submission:

PreventionGenetics, part of Exact Sciences
Classification: Uncertain significance for PKHD1-related condition. Last evaluated: 2026-06-15. Review status: criteria provided, single submitter. Criteria: ACMG Guidelines, 2015. Collection method: clinical testing. Allele origin: germline.
Comment: The PKHD1 c.8633G>T variant is predicted to result in the amino acid substitution p.Gly2878Val. To our knowledge, this variant has not been reported in the literature or in a large population database (gnomAD), indicating this variant is rare. At this time, the clinical significance of this variant is uncertain due to the absence of conclusive functional and genetic evidence.